The following is an entry in ClinVar:

NM_000038.6(APC):c.4448C>T (p.Pro1483Leu)

Gene: APC (APC regulator of Wnt signaling pathway; plus strand). Cytogenetic location: 5q22.2.
Variant type: single nucleotide variant.
Coding change: c.4448C>T on transcript NM_000038.6 (MANE Select); coding-DNA position 4448, C replaced by T.
Protein change: p.Pro1483Leu; replaces proline 1483 with leucine.
Molecular consequence: missense variant. On other transcripts: non-coding transcript variant (2).
Genome position (GRCh38, 1-based): chr5:112,840,042, C>T. VCF-style: chr5-112840042-C-T. GRCh37 (hg19) VCF-style: chr5-112175739-C-T.
Other names: c.4394C>T, p.Pro1465Leu (NM_001127511.3); c.4448C>T, p.Pro1483Leu (NM_001354895.2, NM_001127510.3, NM_001407450.1); c.4502C>T, p.Pro1501Leu (NM_001354896.2, NM_001407447.1, NM_001407448.1 and 1 more transcripts); c.4478C>T, p.Pro1493Leu (NM_001354897.2); c.4373C>T, p.Pro1458Leu (NM_001354898.2); c.4364C>T, p.Pro1455Leu (NM_001354899.2); c.4325C>T, p.Pro1442Leu (NM_001354900.2); c.4271C>T, p.Pro1424Leu (NM_001354901.2, NM_001407453.1); and 11 more; short protein forms P1200L, P1323L, P1354L, P1424L, P1465L, P1483L, P1400L, P1455L.
Identifiers: ClinVar variation 5024318 (VCV005024318.1).

ClinVar aggregate classification (germline): Uncertain significance (1 of 4 stars; one submission).

Conditions:
Hereditary cancer-predisposing syndrome. Also called: Neoplastic Syndromes, Hereditary; Tumor predisposition; Hereditary neoplastic syndrome; Hereditary Cancer Syndrome. Identifiers: Orphanet 140162, MedGen C0027672, MeSH D009386, MONDO:0015356.

Submission:

Ambry Genetics
Classification: Uncertain significance for Hereditary cancer-predisposing syndrome. Last evaluated: 2026-07-27. Review status: criteria provided, single submitter. Criteria: Ambry Variant Classification Scheme 2023. Collection method: clinical testing. Allele origin: germline.
Comment: The p.P1483L variant (also known as c.4448C>T), located in coding exon 15 of the APC gene, results from a C to T substitution at nucleotide position 4448. The proline at codon 1483 is replaced by leucine, an amino acid with similar properties. This amino acid position is highly conserved in available vertebrate species. In addition, in silico predictors for this gene do not accurately predict pathogenicity. Missense variants in APC are not a common cause of disease (Spier I et al. Genet Med. 2024 Feb;26(2):100992). Based on the available evidence, the clinical significance of this variant remains unclear.